The following is an entry in ClinVar:

NM_003235.5(TG):c.4159+1G>T

Gene: TG (thyroglobulin; plus strand). Cytogenetic location: 8q24.22.
Variant type: single nucleotide variant.
Coding change: c.4159+1G>T on transcript NM_003235.5 (MANE Select); the canonical splice donor site of the intron after coding-DNA position 4159, G replaced by T.
Molecular consequence: splice donor variant.
Genome position (GRCh38, 1-based): chr8:132,911,534, G>T. VCF-style: chr8-132911534-G-T. GRCh37 (hg19) VCF-style: chr8-133923779-G-T.
Identifiers: ClinVar variation 2832425 (VCV002832425.3), dbSNP rs945798509, ClinGen allele CA372245474.

ClinVar aggregate classification (germline): Likely pathogenic (1 of 4 stars; one submission).

Submission:

Labcorp Genetics (formerly Invitae), Labcorp
Classification: Likely pathogenic. Last evaluated: 2023-10-06. Review status: criteria provided, single submitter. Criteria: Invitae Variant Classification Sherloc (09022015). Collection method: clinical testing. Allele origin: germline.
Comment: This sequence change affects a donor splice site in intron 19 of the TG gene. It is expected to disrupt RNA splicing. Variants that disrupt the donor or acceptor splice site typically lead to a loss of protein function (PMID: 16199547), and loss-of-function variants in TG are known to be pathogenic (PMID: 19837936, 23164529). This variant is not present in population databases (gnomAD no frequency). This variant has not been reported in the literature in individuals affected with TG-related conditions. Algorithms developed to predict the effect of sequence changes on RNA splicing suggest that this variant may disrupt the consensus splice site. In summary, the currently available evidence indicates that the variant is pathogenic, but additional data are needed to prove that conclusively. Therefore, this variant has been classified as Likely Pathogenic.

Literature cited by the submitters: PubMed 16199547; PubMed 19837936; PubMed 23164529.